The following is an entry in ClinVar:

ClinVar aggregate classification (germline): Uncertain significance. Review status: criteria provided, multiple submitters, no conflicts (2 of 4 stars). 2 submissions from 2 submitters: Uncertain significance (2). Last evaluated 2023-10-10.

Conditions:
Inborn genetic diseases. Identifiers: MedGen C0950123, MeSH D030342.

Allele frequency attached by ClinVar (database versions not stated): gnomAD exomes 0.00001 and 0.00007; gnomAD 0.00002; TOPMed 0.00003; ExAC 0.00007.
gnomAD v4.1: 19 of 1,613,816 alleles (0.0012%); highest among the groups gnomAD compares: East Asian, 0.038%; no homozygotes.

Submissions (2):

Ambry Genetics
Classification: Uncertain significance for Inborn genetic diseases. Last evaluated: 2023-10-10. Review status: criteria provided, single submitter. Criteria: Ambry Variant Classification Scheme 2023. Collection method: clinical testing. Allele origin: germline.

Labcorp Genetics (formerly Invitae), Labcorp
Classification: Uncertain significance. Last evaluated: 2022-08-08. Review status: criteria provided, single submitter. Criteria: Invitae Variant Classification Sherloc (09022015). Collection method: clinical testing. Allele origin: germline.
Comment: ClinVar contains an entry for this variant (Variation ID: 1397852). This variant has not been reported in the literature in individuals affected with SPEG-related conditions. This variant is present in population databases (rs764724129, gnomAD 0.1%). This sequence change replaces glutamine, which is neutral and polar, with glutamic acid, which is acidic and polar, at codon 1771 of the SPEG protein (p.Gln1771Glu). In summary, the available evidence is currently insufficient to determine the role of this variant in disease. Therefore, it has been classified as a Variant of Uncertain Significance. Algorithms developed to predict the effect of missense changes on protein structure and function are either unavailable or do not agree on the potential impact of this missense change (SIFT: "Deleterious"; PolyPhen-2: "Probably Damaging"; Align-GVGD: "Class C0").

NM_005876.5(SPEG):c.5311C>G (p.Gln1771Glu)

Gene: SPEG (striated muscle enriched protein kinase; plus strand). Cytogenetic location: 2q35.
Variant type: single nucleotide variant.
Coding change: c.5311C>G on transcript NM_005876.5 (MANE Select); coding-DNA position 5311, C replaced by G.
Protein change: p.Gln1771Glu; replaces glutamine 1771 with glutamic acid.
Molecular consequence: missense variant.
Genome position (GRCh38, 1-based): chr2:219,480,109, C>G. VCF-style: chr2-219480109-C-G. GRCh37 (hg19) VCF-style: chr2-220344831-C-G.
Other names: c.5311C>G (NM_005876.4); short protein forms Q1771E.
Identifiers: ClinVar variation 1397852 (VCV001397852.9), dbSNP rs764724129, ClinGen allele CA2126784.